The following is an entry in ClinVar:

ClinVar aggregate classification (germline): Benign/Likely benign. Review status: criteria provided, multiple submitters, no conflicts (2 of 4 stars). 15 submissions from 15 submitters: Benign (6); Likely benign (4). 5 of the submissions do not count toward it. Last evaluated 2026-02-04.

Conditions:
Becker muscular dystrophy (BMD). Also called: Becker Muscular Dystrophy (BMD); MUSCULAR DYSTROPHY, PSEUDOHYPERTROPHIC PROGRESSIVE, BECKER TYPE. Identifiers: Orphanet 98895, MedGen C0917713, MONDO:0010311, OMIM 300376.
Dystrophin deficiency.
Cardiomyopathy (CMYO). Also called: Cardiomyopathies. Identifiers: Orphanet 167848, MedGen C0878544, MONDO:0004994, HP:0001638. Inheritance: Various modes of inheritance.
Duchenne muscular dystrophy (DMD). Also called: Duchenne Muscular Dystrophy (DMD); MUSCULAR DYSTROPHY, PSEUDOHYPERTROPHIC PROGRESSIVE, DUCHENNE TYPE. Identifiers: Orphanet 98896, MedGen C0013264, MONDO:0010679, OMIM 310200.
Cardiovascular phenotype. Identifiers: MedGen CN230736.

Allele frequency attached by ClinVar (database versions not stated): 1000 Genomes Project 30x 0.00021; 1000 Genomes Project 0.00026; TOPMed 0.00137; gnomAD 0.00146 and 0.00150; gnomAD exomes 0.00146 and 0.00208; ESP Exome Variant Server 0.00152; ExAC 0.00154.

Submissions (15):

Labcorp Genetics (formerly Invitae), Labcorp
Classification: Benign for Duchenne muscular dystrophy. Last evaluated: 2026-02-04. Review status: criteria provided, single submitter. Criteria: Invitae Variant Classification Sherloc (09022015). Collection method: clinical testing. Allele origin: germline.

Molecular Diagnostic Laboratory for Inherited Cardiovascular Disease, Montreal Heart Institute
Classification: Likely benign. Last evaluated: 2025-04-09. Review status: criteria provided, single submitter. Criteria: ACMG Guidelines, 2015. Collection method: clinical testing. Allele origin: germline. Affected: no.

Blueprint Genetics
Classification: Likely benign. Last evaluated: 2024-11-28. Review status: criteria provided, single submitter. Criteria: ACMG Guidelines, 2015. Collection method: clinical testing. Allele origin: germline.

ARUP Laboratories, Molecular Genetics and Genomics, ARUP Laboratories
Classification: Benign. Last evaluated: 2023-11-09. Review status: criteria provided, single submitter. Criteria: ARUP Molecular Germline Variant Investigation Process 2024. Collection method: clinical testing. Allele origin: germline.

Women's Health and Genetics/Laboratory Corporation of America, LabCorp
Classification: Benign. Last evaluated: 2022-10-07. Review status: criteria provided, single submitter. Criteria: LabCorp Variant Classification Summary - May 2015. Collection method: clinical testing. Allele origin: germline.
Comment: Variant summary: DMD c.2971G>C (p.Glu991Gln) results in a conservative amino acid change located in the Central rod domain of the encoded protein sequence. Three of five in-silico tools predict a damaging effect of the variant on protein function. The variant allele was found at a frequency of 0.0014 in 203389 control chromosomes, including 116 hemizygotes (gnomAD). The observed variant frequency is approximately 131 fold of the estimated maximal expected allele frequency for a pathogenic variant in DMD causing Dystrophinopathies (1.1e-05), strongly suggesting that the variant is benign. To our knowledge, no experimental evidence demonstrating an impact on protein function has been reported. Six ClinVar submitters have assessed the variant since 2014: two classified the variant as likely benign, and four as benign. Based on the evidence outlined above, the variant was classified as benign.

GeneDx
Classification: Likely benign. Last evaluated: 2020-12-21. Review status: criteria provided, single submitter. Criteria: GeneDx Variant Classification Process June 2021. Collection method: clinical testing. Allele origin: germline. Affected: yes.
Comment: This variant is associated with the following publications: (PMID: 19937601, 25163546, 27977773, 14695533)

Mayo Clinic Laboratories, Mayo Clinic
Classification: Benign. Last evaluated: 2018-06-05. Review status: criteria provided, single submitter. Criteria: ACMG Guidelines, 2015. Collection method: clinical testing. Allele origin: germline. Observed: 6 variant alleles.

Ambry Genetics
Classification: Benign for Cardiovascular phenotype. Last evaluated: 2017-12-27. Review status: criteria provided, single submitter. Criteria: Ambry Variant Classification Scheme 2023. Collection method: clinical testing. Allele origin: germline.

Athena Diagnostics
Classification: Benign. Last evaluated: 2016-08-22. Review status: criteria provided, single submitter. Criteria: Athena Diagnostics Criteria. Collection method: clinical testing. Allele origin: germline.

Eurofins Ntd Llc (ga)
Classification: Likely benign. Last evaluated: 2014-08-04. Review status: criteria provided, single submitter. Criteria: EGL Classification Definitions 2015. Collection method: clinical testing. Allele origin: germline. Observed: 1 variant allele, 1 heterozygote.

Natera, Inc.
Classification: Likely benign for Becker muscular dystrophy; Cardiomyopathy; Duchenne muscular dystrophy; Dystrophin deficiency. Last evaluated: 2019-06-24. Review status: no assertion criteria provided. Collection method: clinical testing. Allele origin: germline. Not counted in ClinVar's aggregate classification.

Clinical Genetics DNA and cytogenetics Diagnostics Lab, Erasmus MC, Erasmus Medical Center
Classification: Benign. Review status: no assertion criteria provided. Collection method: clinical testing. Allele origin: germline. Affected: yes. Study: VKGL Data-share Consensus. Not counted in ClinVar's aggregate classification.

Diagnostic Laboratory, Department of Genetics, University Medical Center Groningen
Classification: Likely benign. Review status: no assertion criteria provided. Collection method: clinical testing. Allele origin: germline. Affected: yes. Study: VKGL Data-share Consensus. Not counted in ClinVar's aggregate classification.

Genome Diagnostics Laboratory, University Medical Center Utrecht
Classification: Benign. Review status: no assertion criteria provided. Collection method: clinical testing. Allele origin: germline. Affected: yes. Study: VKGL Data-share Consensus. Not counted in ClinVar's aggregate classification.

Laboratory of Diagnostic Genome Analysis, Leiden University Medical Center (LUMC)
Classification: Likely benign. Review status: no assertion criteria provided. Collection method: clinical testing. Allele origin: germline. Affected: yes. Study: VKGL Data-share Consensus. Not counted in ClinVar's aggregate classification.

Literature cited by the submitters: PubMed 25163546 (cited by Women's Health and Genetics/Laboratory Corporation of America, LabCorp); PubMed 14695533 (cited by Ambry Genetics and Athena Diagnostics); PubMed 19937601 (cited by Ambry Genetics and Athena Diagnostics).

NM_004006.3(DMD):c.2971G>C (p.Glu991Gln)

Gene: DMD (dystrophin; minus strand). Cytogenetic location: Xp21.1.
Variant type: single nucleotide variant.
Coding change: c.2971G>C on transcript NM_004006.3 (MANE Select); coding-DNA position 2971, G replaced by C.
Protein change: p.Glu991Gln; replaces glutamic acid 991 with glutamine.
Molecular consequence: missense variant.
Genome position (GRCh38, 1-based): chrX:32,468,689, C>G on the plus strand (G>C on the coding strand, the complement: DMD is on the minus strand). VCF-style: chrX-32468689-C-G. GRCh37 (hg19) VCF-style: chrX-32486806-C-G.
Other names: p.E991Q:GAG>CAG; c.2947G>C, p.Glu983Gln (NM_000109.4); c.2959G>C, p.Glu987Gln (NM_004009.3); c.2602G>C, p.Glu868Gln (NM_004010.3); short protein forms E991Q, E983Q, E987Q, E868Q.
Identifiers: ClinVar variation 195752 (VCV000195752.41), dbSNP rs72468667, ClinGen allele CA201924.